The following is an entry in ClinVar:

ClinVar aggregate classification (germline): Likely benign (1 of 4 stars; one submission).

gnomAD v4.1: 50 of 1,614,014 alleles (0.0031%); highest among the groups gnomAD compares: Admixed American, 0.005%; no homozygotes.

Submission:

CeGaT Center for Human Genetics Tuebingen
Classification: Likely benign. Last evaluated: 2026-05-01. Review status: criteria provided, single submitter. Criteria: CeGaT Center For Human Genetics Tuebingen Variant Classification Criteria Version 2. Collection method: clinical testing. Allele origin: germline. Affected: yes. Observed: 1 variant allele.
Comment: ZNF462: BP4, BP7

NM_021224.6(ZNF462):c.4929C>T (p.Pro1643=)

Gene: ZNF462 (zinc finger protein 462; plus strand). Cytogenetic location: 9q31.2.
Variant type: single nucleotide variant.
Coding change: c.4929C>T on transcript NM_021224.6 (MANE Select); coding-DNA position 4929, C replaced by T.
Protein change: p.Pro1643=; no amino-acid change (proline 1643 retained).
Molecular consequence: synonymous variant. On other transcripts: intron variant (1).
Genome position (GRCh38, 1-based): chr9:106,928,841, C>T. VCF-style: chr9-106928841-C-T. GRCh37 (hg19) VCF-style: chr9-109691122-C-T.
Other names: c.3252+1677C>T (NM_001347997.2).
Identifiers: ClinVar variation 4872318 (VCV004872318.2).